The following is an entry in ClinVar:

NM_015189.3(EXOC6B):c.1046+4G>T

Gene: EXOC6B (exocyst complex component 6B; minus strand). Cytogenetic location: 2p13.2.
Variant type: single nucleotide variant.
Coding change: c.1046+4G>T on transcript NM_015189.3 (MANE Select); 4 bases into the intron after coding-DNA position 1046, G replaced by T.
Molecular consequence: intron variant.
Genome position (GRCh38, 1-based): chr2:72,514,630, C>A on the plus strand (G>T on the coding strand, the complement: EXOC6B is on the minus strand). VCF-style: chr2-72514630-C-A. GRCh37 (hg19) VCF-style: chr2-72741759-C-A.
Other names: c.707+4G>T (NM_001321734.2); c.1046+4G>T (NM_001321733.2, NM_001321730.2, NM_001321729.2 and 1 more transcripts).
Identifiers: ClinVar variation 3043731 (VCV003043731.3), dbSNP rs535862997, ClinGen allele CA1708590.

ClinVar aggregate classification (germline): Likely benign. Review status: criteria provided, single submitter (1 of 4 stars). 2 submissions from 2 submitters: Likely benign (1). 1 of the submissions does not count toward it. Last evaluated 2024-10-22.

Conditions:
EXOC6B-related disorder. Also called: EXOC6B-related condition.

Allele frequency attached by ClinVar (database versions not stated): ExAC 0.00204; 1000 Genomes Project 30x 0.00312; 1000 Genomes Project 0.00399; gnomAD 0.00459.
gnomAD v4.1: 918 of 665,710 alleles (0.14%); highest among the groups gnomAD compares: African/African-American, 1.5%; 5 homozygotes.

Submissions (2):

Blueprint Genetics
Classification: Likely benign. Last evaluated: 2024-10-22. Review status: criteria provided, single submitter. Criteria: ACMG Guidelines, 2015. Collection method: clinical testing. Allele origin: germline.

PreventionGenetics, part of Exact Sciences
Classification: Benign for EXOC6B-related condition. Last evaluated: 2019-06-06. Review status: no assertion criteria provided. Collection method: clinical testing. Allele origin: germline. Not counted in ClinVar's aggregate classification.
Comment: This variant is classified as benign based on ACMG/AMP sequence variant interpretation guidelines (Richards et al. 2015 PMID: 25741868, with internal and published modifications).